The following is an entry in ClinVar:

NM_001042492.3(NF1):c.2567G>A (p.Ser856Asn)

Gene: NF1 (neurofibromin 1; plus strand). Cytogenetic location: 17q11.2.
Variant type: single nucleotide variant.
Coding change: c.2567G>A on transcript NM_001042492.3 (MANE Select); coding-DNA position 2567, G replaced by A.
Protein change: p.Ser856Asn; replaces serine 856 with asparagine.
Molecular consequence: missense variant.
Genome position (GRCh38, 1-based): chr17:31,229,182, G>A. VCF-style: chr17-31229182-G-A. GRCh37 (hg19) VCF-style: chr17-29556200-G-A.
Other names: c.2567G>A, p.Ser856Asn (NM_000267.4); short protein forms S856N.
Identifiers: ClinVar variation 1348272 (VCV001348272.14), dbSNP rs2151429147, ClinGen allele CA398984326.

ClinVar aggregate classification (germline): Conflicting classifications of pathogenicity. Review status: criteria provided, conflicting classifications (1 of 4 stars). 4 submissions from 4 submitters: Uncertain significance (3); Likely benign (1). Last evaluated 2026-04-17.

Conditions:
Neurofibromatosis, type 1 (NF1). Also called: NEUROFIBROMATOSIS, TYPE I, SOMATIC; Neurofibromatosis, type I; Peripheral type neurofibromatosis; VON RECKLINGHAUSEN DISEASE. Identifiers: Orphanet 636, MedGen C0027831, MONDO:0018975, OMIM 162200. Disease mechanism: loss of function.
Hereditary cancer-predisposing syndrome. Also called: Neoplastic Syndromes, Hereditary; Tumor predisposition; Hereditary Cancer Syndrome; Hereditary neoplastic syndrome. Identifiers: Orphanet 140162, MedGen C0027672, MeSH D009386, MONDO:0015356.
Cardiovascular phenotype. Identifiers: MedGen CN230736.

Submissions (4):

Ambry Genetics
Classification: Likely benign for Cardiovascular phenotype; Hereditary cancer-predisposing syndrome. Last evaluated: 2026-04-17. Review status: criteria provided, single submitter. Criteria: Ambry Variant Classification Scheme 2023. Collection method: clinical testing. Allele origin: germline.

Genome-Nilou Lab
Classification: Uncertain significance for Neurofibromatosis, type 1. Last evaluated: 2022-03-15. Review status: criteria provided, single submitter. Criteria: ACMG Guidelines, 2015. Collection method: clinical testing. Allele origin: germline. Affected: no.

St. Jude Molecular Pathology, St. Jude Children's Research Hospital
Classification: Uncertain significance for Neurofibromatosis, type 1. Last evaluated: 2022-01-27. Review status: criteria provided, single submitter. Criteria: St. Jude Assertion Criteria 2020. Collection method: clinical testing. Allele origin: germline.
Comment: The NF1 c.2567G>A (p.Ser856Asn) missense variant is absent in gnomAD v2.1.1 (PM2_Supporting ). Six of seven in silico tools predict a benign effect of this variant on protein function (BP4), but to our knowledge these predictions have not been confirmed by functional assays. This variant occurs in a gene where missense variants are more likely to be damaging based on methods described by Lek et al. (PP2; PMID: 27535533). To our knowledge, this variant has not been reported in individuals with Neurofibromatosis type 1. In summary, this variant meets criteria to be classified as of uncertain significance based on the ACMG/AMP criteria: PM2_Supporitng, PP2, BP4.

Labcorp Genetics (formerly Invitae), Labcorp
Classification: Uncertain significance for Neurofibromatosis, type 1. Last evaluated: 2021-10-30. Review status: criteria provided, single submitter. Criteria: Invitae Variant Classification Sherloc (09022015). Collection method: clinical testing. Allele origin: germline.
Comment: In summary, the available evidence is currently insufficient to determine the role of this variant in disease. Therefore, it has been classified as a Variant of Uncertain Significance. Advanced modeling of protein sequence and biophysical properties (such as structural, functional, and spatial information, amino acid conservation, physicochemical variation, residue mobility, and thermodynamic stability) performed at Invitae indicates that this missense variant is not expected to disrupt NF1 protein function. This variant has not been reported in the literature in individuals affected with NF1-related conditions. This variant is not present in population databases (gnomAD no frequency). This sequence change replaces serine, which is neutral and polar, with asparagine, which is neutral and polar, at codon 856 of the NF1 protein (p.Ser856Asn).